The following is an entry in ClinVar:

NM_001287.6(CLCN7):c.1154-3C>T

Gene: CLCN7 (chloride voltage-gated channel 7; minus strand). Cytogenetic location: 16p13.3.
Variant type: single nucleotide variant.
Coding change: c.1154-3C>T on transcript NM_001287.6 (MANE Select); 3 bases into the intron before coding-DNA position 1154, C replaced by T.
Molecular consequence: intron variant.
Genome position (GRCh38, 1-based): chr16:1,453,897, G>A on the plus strand (C>T on the coding strand, the complement: CLCN7 is on the minus strand). VCF-style: chr16-1453897-G-A. GRCh37 (hg19) VCF-style: chr16-1503898-G-A.
Other names: c.1082-3C>T (NM_001114331.3).
Identifiers: ClinVar variation 2792478 (VCV002792478.3), dbSNP rs906791030, ClinGen allele CA276676425.

ClinVar aggregate classification (germline): Uncertain significance (1 of 4 stars; one submission).

Allele frequency attached by ClinVar (database versions not stated): gnomAD 0.00001; TOPMed 0.00001.
gnomAD v4.1: 2 of 1,613,132 alleles (0.00012%); highest among the groups gnomAD compares: Middle Eastern, 0.016%; no homozygotes.

Submission:

Labcorp Genetics (formerly Invitae), Labcorp
Classification: Uncertain significance. Last evaluated: 2023-10-13. Review status: criteria provided, single submitter. Criteria: Invitae Variant Classification Sherloc (09022015). Collection method: clinical testing. Allele origin: germline.
Comment: This sequence change falls in intron 13 of the CLCN7 gene. It does not directly change the encoded amino acid sequence of the CLCN7 protein. It affects a nucleotide within the consensus splice site. This variant is not present in population databases (gnomAD no frequency). This variant has not been reported in the literature in individuals affected with CLCN7-related conditions. Variants that disrupt the consensus splice site are a relatively common cause of aberrant splicing (PMID: 17576681, 9536098). Algorithms developed to predict the effect of sequence changes on RNA splicing suggest that this variant is not likely to affect RNA splicing. In summary, the available evidence is currently insufficient to determine the role of this variant in disease. Therefore, it has been classified as a Variant of Uncertain Significance.

Literature cited by the submitters: PubMed 17576681; PubMed 9536098.